The following is an entry in ClinVar:

NM_001379200.1(TBX1):c.253G>A (p.Ala85Thr)

Gene: TBX1 (T-box transcription factor 1; plus strand). Cytogenetic location: 22q11.21.
Variant type: single nucleotide variant.
Coding change: c.253G>A on transcript NM_001379200.1 (MANE Select); coding-DNA position 253, G replaced by A.
Protein change: p.Ala85Thr; replaces alanine 85 with threonine.
Molecular consequence: missense variant.
Genome position (GRCh38, 1-based): chr22:19,761,096, G>A. VCF-style: chr22-19761096-G-A. GRCh37 (hg19) VCF-style: chr22-19748619-G-A.
Other names: c.226G>A, p.Ala76Thr (NM_005992.1, NM_080646.2, NM_080647.1); short protein forms A76T, A85T.
Identifiers: ClinVar variation 1001245 (VCV001001245.8), dbSNP rs769629385, ClinGen allele CA10102386.

ClinVar aggregate classification (germline): Uncertain significance (1 of 4 stars; one submission).

Conditions:
DiGeorge syndrome. Also called: THIRD AND FOURTH PHARYNGEAL POUCH SYNDROME; Catch22. Identifiers: Orphanet 567, MedGen C0012236, MONDO:0008564, OMIM 188400.

Allele frequency attached by ClinVar (database versions not stated): ExAC below 0.00001; gnomAD below 0.00001 and 0.00001.
gnomAD v4.1: 15 of 1,121,090 alleles (0.0013%); highest among the groups gnomAD compares: South Asian, 0.049%; no homozygotes.

Submission:

Labcorp Genetics (formerly Invitae), Labcorp
Classification: Uncertain significance for DiGeorge syndrome. Last evaluated: 2025-07-29. Review status: criteria provided, single submitter. Criteria: Invitae Variant Classification Sherloc (09022015). Collection method: clinical testing. Allele origin: germline.
Comment: This sequence change replaces alanine, which is neutral and non-polar, with threonine, which is neutral and polar, at codon 76 of the TBX1 protein (p.Ala76Thr). This variant is not present in population databases (gnomAD no frequency). This variant has not been reported in the literature in individuals affected with TBX1-related conditions. ClinVar contains an entry for this variant (Variation ID: 1001245). Invitae Evidence Modeling of protein sequence and biophysical properties (such as structural, functional, and spatial information, amino acid conservation, physicochemical variation, residue mobility, and thermodynamic stability) indicates that this missense variant is not expected to disrupt TBX1 protein function with a negative predictive value of 80%. In summary, the available evidence is currently insufficient to determine the role of this variant in disease. Therefore, it has been classified as a Variant of Uncertain Significance.